The following is an entry in ClinVar:

ClinVar aggregate classification (germline): Conflicting classifications of pathogenicity. Review status: criteria provided, conflicting classifications (1 of 4 stars). 5 submissions from 5 submitters: Uncertain significance (3); Likely benign (1). 1 of the submissions does not count toward it. Last evaluated 2025-11-26.

Conditions:
PROM1-related disorder. Also called: PROM1-related condition; PROM1-related disorders.
Inborn genetic diseases. Identifiers: MedGen C0950123, MeSH D030342.
Retinal dystrophy. Also called: Inherited retinal dystrophy. Identifiers: Orphanet 71862, MedGen C0854723, MeSH D058499, MONDO:0019118, HP:0000556.

Allele frequency attached by ClinVar (database versions not stated): ExAC 0.00006; gnomAD 0.00001; gnomAD exomes 0.00002 and 0.00004; TOPMed 0.00002.
gnomAD v4.1: 36 of 1,606,448 alleles (0.0022%); highest among the groups gnomAD compares: Admixed American, 0.0034%; no homozygotes.

Submissions (5):

Ambry Genetics
Classification: Likely benign for Inborn genetic diseases. Last evaluated: 2025-11-26. Review status: criteria provided, single submitter. Criteria: Ambry Variant Classification Scheme 2023. Collection method: clinical testing. Allele origin: germline.

Labcorp Genetics (formerly Invitae), Labcorp
Classification: Uncertain significance. Last evaluated: 2025-08-24. Review status: criteria provided, single submitter. Criteria: Invitae Variant Classification Sherloc (09022015). Collection method: clinical testing. Allele origin: germline.
Comment: This sequence change replaces lysine, which is basic and polar, with glutamic acid, which is acidic and polar, at codon 551 of the PROM1 protein (p.Lys551Glu). This variant is present in population databases (rs760815481, gnomAD 0.007%). This variant has not been reported in the literature in individuals affected with PROM1-related conditions. ClinVar contains an entry for this variant (Variation ID: 1517083). Invitae Evidence Modeling of protein sequence and biophysical properties (such as structural, functional, and spatial information, amino acid conservation, physicochemical variation, residue mobility, and thermodynamic stability) indicates that this missense variant is not expected to disrupt PROM1 protein function with a negative predictive value of 80%. In summary, the available evidence is currently insufficient to determine the role of this variant in disease. Therefore, it has been classified as a Variant of Uncertain Significance.

PreventionGenetics, part of Exact Sciences
Classification: Uncertain significance for PROM1-related condition. Last evaluated: 2025-07-28. Review status: criteria provided, single submitter. Criteria: ACMG Guidelines, 2015. Collection method: clinical testing. Allele origin: germline.
Comment: The PROM1 c.1651A>G variant is predicted to result in the amino acid substitution p.Lys551Glu. To our knowledge, this variant has not been reported in the literature. This variant is reported in 0.0072% of alleles in individuals of European (Non-Finnish) descent in gnomAD. At this time, the clinical significance of this variant is uncertain due to the absence of conclusive functional and genetic evidence.

Blueprint Genetics
Classification: Uncertain significance. Last evaluated: 2023-10-20. Review status: criteria provided, single submitter. Criteria: ACMG Guidelines, 2015. Collection method: clinical testing. Allele origin: germline.

Institute of Human Genetics, Univ. Regensburg, Univ. Regensburg
Classification: Uncertain significance for Retinal dystrophy. Last evaluated: 2022-01-01. Review status: no assertion criteria provided. Criteria: ACMG Guidelines, 2015. Collection method: clinical testing. Allele origin: germline. Affected: yes. Not counted in ClinVar's aggregate classification.

NM_006017.3(PROM1):c.1651A>G (p.Lys551Glu)

Gene: PROM1 (prominin 1; minus strand). Cytogenetic location: 4p15.32.
Variant type: single nucleotide variant.
Coding change: c.1651A>G on transcript NM_006017.3 (MANE Select); coding-DNA position 1651, A replaced by G.
Protein change: p.Lys551Glu; replaces lysine 551 with glutamic acid.
Molecular consequence: missense variant.
Genome position (GRCh38, 1-based): chr4:15,998,416, T>C on the plus strand (A>G on the coding strand, the complement: PROM1 is on the minus strand). VCF-style: chr4-15998416-T-C. GRCh37 (hg19) VCF-style: chr4-16000039-T-C.
Other names: c.1624A>G, p.Lys542Glu (NM_001145847.2, NM_001145848.2, NM_001145851.2 and 4 more transcripts); c.1651A>G, p.Lys551Glu (NM_001145849.2, NM_001145850.2); c.1651A>G (NM_006017.2); short protein forms K542E, K551E.
Identifiers: ClinVar variation 1517083 (VCV001517083.10), dbSNP rs760815481, ClinGen allele CA2866696.